The following is an entry in ClinVar:

NM_001813.3(CENPE):c.6835C>T (p.Arg2279Cys)

Gene: CENPE (centromere protein E; minus strand). Cytogenetic location: 4q24.
Variant type: single nucleotide variant.
Coding change: c.6835C>T on transcript NM_001813.3 (MANE Select); coding-DNA position 6835, C replaced by T.
Protein change: p.Arg2279Cys; replaces arginine 2279 with cysteine.
Molecular consequence: missense variant.
Genome position (GRCh38, 1-based): chr4:103,132,782, G>A on the plus strand (C>T on the coding strand, the complement: CENPE is on the minus strand). VCF-style: chr4-103132782-G-A. GRCh37 (hg19) VCF-style: chr4-104053939-G-A.
Other names: c.6472C>T, p.Arg2158Cys (NM_001286734.2); short protein forms R2158C, R2279C.
Identifiers: ClinVar variation 1307542 (VCV001307542.3), dbSNP rs544326830, ClinGen allele CA102723970.

ClinVar aggregate classification (germline): Uncertain significance. Review status: criteria provided, multiple submitters, no conflicts (2 of 4 stars). 2 submissions from 2 submitters: Uncertain significance (2). Last evaluated 2025-11-24.

Allele frequency attached by ClinVar (database versions not stated): gnomAD exomes 0.00002 and 0.00001; gnomAD 0.00001; TOPMed 0.00002.
gnomAD v4.1: 23 of 1,579,318 alleles (0.0015%); highest among the groups gnomAD compares: Non-Finnish European, 0.0019%; no homozygotes.

Submissions (2):

Ambry Genetics
Classification: Uncertain significance. Last evaluated: 2025-11-24. Review status: criteria provided, single submitter. Criteria: Ambry Variant Classification Scheme 2023. Collection method: clinical testing. Allele origin: germline.

GeneDx
Classification: Uncertain significance. Last evaluated: 2019-08-05. Review status: criteria provided, single submitter. Criteria: GeneDx Variant Classification Process June 2021. Collection method: clinical testing. Allele origin: germline. Affected: yes.
Comment: Not observed at a significant frequency in large population cohorts (Lek et al., 2016); In silico analysis, which includes protein predictors and evolutionary conservation, supports that this variant does not alter protein structure/function; Has not been previously published as pathogenic or benign to our knowledge